The following is an entry in ClinVar:

ClinVar aggregate classification (germline): Likely benign. Review status: criteria provided, multiple submitters, no conflicts (2 of 4 stars). 4 submissions from 4 submitters: Likely benign (4). Last evaluated 2025-12-31.

Conditions:
Hereditary cancer-predisposing syndrome. Also called: Neoplastic Syndromes, Hereditary; Hereditary neoplastic syndrome; Tumor predisposition; Hereditary Cancer Syndrome. Identifiers: Orphanet 140162, MedGen C0027672, MeSH D009386, MONDO:0015356.
Hereditary diffuse gastric adenocarcinoma (HDGC). Also called: DIFFUSE GASTRIC AND LOBULAR BREAST CANCER SYNDROME. Identifiers: Orphanet 26106, MedGen C1708349, MONDO:0007648, OMIM 137215.

Allele frequency attached by ClinVar (database versions not stated): gnomAD exomes below 0.00001; gnomAD 0.00002; TOPMed 0.00002.
gnomAD v4.1: 6 of 1,600,518 alleles (0.00037%); highest among the groups gnomAD compares: Non-Finnish European, 0.00051%; no homozygotes.

Submissions (4):

Labcorp Genetics (formerly Invitae), Labcorp
Classification: Likely benign for Hereditary diffuse gastric adenocarcinoma. Last evaluated: 2025-12-31. Review status: criteria provided, single submitter. Criteria: Invitae Variant Classification Sherloc (09022015). Collection method: clinical testing. Allele origin: germline.

Myriad Genetics, Inc.
Classification: Likely benign for Hereditary diffuse gastric adenocarcinoma. Last evaluated: 2024-09-12. Review status: criteria provided, single submitter. Criteria: Myriad Autosomal Dominant, Autosomal Recessive and X-Linked Classification Criteria (2023). Collection method: clinical testing. Allele origin: unknown.
Comment: This variant is considered likely benign. This variant is intronic and is not expected to impact mRNA splicing.

Color Diagnostics, LLC DBA Color Health
Classification: Likely benign for Hereditary cancer-predisposing syndrome. Last evaluated: 2018-03-25. Review status: criteria provided, single submitter. Criteria: ACMG Guidelines, 2015. Collection method: clinical testing. Allele origin: germline.

GeneDx
Classification: Likely benign. Last evaluated: 2017-04-10. Review status: criteria provided, single submitter. Criteria: GeneDx Variant Classification (06012015). Collection method: clinical testing. Allele origin: germline. Affected: yes.
Comment: This variant is considered likely benign or benign based on one or more of the following criteria: it is a conservative change, it occurs at a poorly conserved position in the protein, it is predicted to be benign by multiple in silico algorithms, and/or has population frequency not consistent with disease.

NM_004360.5(CDH1):c.164-17T>C

Gene: CDH1 (cadherin 1; plus strand). Cytogenetic location: 16q22.1.
Variant type: single nucleotide variant.
Coding change: c.164-17T>C on transcript NM_004360.5 (MANE Select); 17 bases into the intron before coding-DNA position 164, T replaced by C.
Molecular consequence: intron variant.
Genome position (GRCh38, 1-based): chr16:68,801,653, T>C. VCF-style: chr16-68801653-T-C. GRCh37 (hg19) VCF-style: chr16-68835556-T-C.
Other names: c.-1452-17T>C (NM_001317185.2); c.-1656-17T>C (NM_001317186.2); c.164-17T>C (NM_001317184.2, LRG_301t1).
Identifiers: ClinVar variation 389552 (VCV000389552.14), dbSNP rs916075301, ClinGen allele CA16608231.